The following is an entry in ClinVar:

NM_000350.3(ABCA4):c.286A>C (p.Asn96His)

Gene: ABCA4 (ATP binding cassette subfamily A member 4; minus strand). Cytogenetic location: 1p22.1.
Variant type: single nucleotide variant.
Coding change: c.286A>C on transcript NM_000350.3 (MANE Select); coding-DNA position 286, A replaced by C.
Protein change: p.Asn96His; replaces asparagine 96 with histidine.
Molecular consequence: missense variant.
Genome position (GRCh38, 1-based): chr1:94,111,454, T>G on the plus strand (A>C on the coding strand, the complement: ABCA4 is on the minus strand). VCF-style: chr1-94111454-T-G. GRCh37 (hg19) VCF-style: chr1-94577010-T-G.
Other names: c.286A>C, p.Asn96His (NM_001425324.1); short protein forms N96H.
Identifiers: ClinVar variation 99165 (VCV000099165.13), dbSNP rs61748529, ClinGen allele CA227041.
Genomic context (GRCh38, chr1:94,111,454, plus strand): 5'-GTGTGCAACTTCCTCCCCTGCATGGTAGGGATCTCAACACTTACATGGAGTTGTTATAGT[T>G]TGACACAATTCCAGGAGATTCTCCTGGGGTGGGGCTTTGAAAACAGGGATTGTTCACATT-3'
Protein context (NP_000341.2, residues 86-106): TPGESPGIVS[Asn96His]YNNSILARVY

ClinVar aggregate classification (germline): Pathogenic/Likely pathogenic. Review status: criteria provided, multiple submitters, no conflicts (2 of 4 stars). 5 submissions from 5 submitters: Pathogenic (2); Likely pathogenic (2). 1 of the submissions does not count toward it. Last evaluated 2025-11-16.

Conditions:
ABCA4-related disorder. Also called: ABCA4-related condition; ABCA4-related disorders. Identifiers: MedGen CN239167.
Severe early-childhood-onset retinal dystrophy (STGD1). Also called: MACULAR DYSTROPHY WITH FLECKS, TYPE 1; STGD; Stargardt disease 1; Stargardt macular dystrophy; Juvenile onset macular degeneration. Identifiers: Orphanet 364055, Orphanet 827, MedGen C1855465, MeSH D000080362, MONDO:0009549, OMIM 248200.

Allele frequency attached by ClinVar (database versions not stated): TOPMed 0.00001.
gnomAD v4.1: 13 of 1,613,962 alleles (0.00081%); highest among the groups gnomAD compares: Non-Finnish European, 0.0011%; no homozygotes.

Submissions (5):

Labcorp Genetics (formerly Invitae), Labcorp
Classification: Pathogenic. Last evaluated: 2025-11-16. Review status: criteria provided, single submitter. Criteria: Invitae Variant Classification Sherloc (09022015). Collection method: clinical testing. Allele origin: germline.
Comment: This sequence change replaces asparagine, which is neutral and polar, with histidine, which is basic and polar, at codon 96 of the ABCA4 protein (p.Asn96His). This variant is present in population databases (rs61748529, gnomAD 0.0009%). This missense change has been observed in individual(s) with Stargardt disease (PMID: 10634594, 22661472). In at least one individual the data is consistent with being in trans (on the opposite chromosome) from a pathogenic variant. ClinVar contains an entry for this variant (Variation ID: 99165). Invitae Evidence Modeling of protein sequence and biophysical properties (such as structural, functional, and spatial information, amino acid conservation, physicochemical variation, residue mobility, and thermodynamic stability) indicates that this missense variant is expected to disrupt ABCA4 protein function with a positive predictive value of 95%. This variant disrupts the p.Asn96 amino acid residue in ABCA4. Other variant(s) that disrupt this residue have been determined to be pathogenic (PMID: 28355279, 29925512, 30093795). This suggests that this residue is clinically significant, and that variants that disrupt this residue are likely to be disease-causing. For these reasons, this variant has been classified as Pathogenic.

Equipe Genetique des Anomalies du Developpement, Université de Bourgogne
Classification: Likely pathogenic for Severe early-childhood-onset retinal dystrophy. Last evaluated: 2025-01-17. Review status: criteria provided, single submitter. Criteria: ACMG Guidelines, 2015. Collection method: clinical testing. Allele origin: germline. Affected: yes.
Comment: The c.286A>C variant is absent in a homozygous state in gnomAD (v4.1.0). In silico prediction scores are in favour of a deleterious effect. The amino acid that is implicated is conserved over the course of evolution. This variant has been reported as likely pathogenic and pathogenic in ClinVar (VCV000099165.9). Pathogenic biallelic variants in the ABCA4 gene are associated with numerous syndromes, including Stargardt disease-1, (OMIM #248200) of autosomal recessive inheritance. According to the available evidence, this variant is considered to be likely pathogenic.

Blueprint Genetics
Classification: Pathogenic for ABCA4-related disorders. Last evaluated: 2022-06-17. Review status: criteria provided, single submitter. Criteria: ACMG Guidelines, 2015. Collection method: clinical testing. Allele origin: germline. Affected: yes. Observed: 5 variant alleles.

GeneDx
Classification: Likely pathogenic. Last evaluated: 2019-09-13. Review status: criteria provided, single submitter. Criteria: GeneDx Variant Classification Process June 2021. Collection method: clinical testing. Allele origin: germline. Affected: yes.
Comment: Not observed at a significant frequency in large population cohorts (Lek et al., 2016); In silico analysis, which includes protein predictors and evolutionary conservation, supports a deleterious effect; This variant is associated with the following publications: (PMID: 23499370, 10634594, 25097154, 32845050)

Retina International
No classification provided. Review status: no classification provided. Collection method: not provided. Allele origin: not provided. Not counted in ClinVar's aggregate classification.

Literature cited by the submitters: PubMed 10634594 (cited by Labcorp Genetics (formerly Invitae), Labcorp); PubMed 22661472 (cited by Labcorp Genetics (formerly Invitae), Labcorp); PubMed 28355279 (cited by Labcorp Genetics (formerly Invitae), Labcorp); PubMed 29925512 (cited by Labcorp Genetics (formerly Invitae), Labcorp); PubMed 30093795 (cited by Labcorp Genetics (formerly Invitae), Labcorp).